The following is an entry in ClinVar:

ClinVar aggregate classification (germline): Pathogenic (1 of 4 stars; one submission).

Conditions:
Hereditary spastic paraplegia 50 (SPG50). Also called: Spastic paraplegia 50, autosomal recessive. Identifiers: Orphanet 280763, MedGen C2752008, MONDO:0013048, OMIM 612936.

Submission:

Women's Health and Genetics/Laboratory Corporation of America, LabCorp
Classification: Pathogenic for Hereditary spastic paraplegia 50. Last evaluated: 2025-10-07. Review status: criteria provided, single submitter. Criteria: LabCorp Variant Classification Summary - May 2015. Collection method: clinical testing. Allele origin: germline.
Comment: Variant summary: The variant involves the deletion of exons 13-14 in the AP4M1 gene. A presumed nomenclature of c.(974+1_975-1)_(1137+1_1138-1)del has been designated for the purposes of this classification. This CNV spans a canonical splice-site involving the last intron and therefore, is predicted to escape nonsense mediated decay (NMD). However, an alternate variant which is also expected to escape nonsense mediated decay (c.1321C>T, p.Arg441Ter) has been classified as Pathogenic in ClinVar. Loss-of-function variants in this gene are known to be pathogenic. The variant was absent in 21694 control chromosomes. To our knowledge, no occurrence of c.(974+1_975-1)_(1137+1_1138-1)del in individuals affected with AP4M1-related conditions and no experimental evidence demonstrating its impact on protein function have been reported. ClinVar contains an entry for this variant (Variation ID: 3245785). Based on the evidence outlined above, the variant was classified as pathogenic.

NC_000007.13:g.(99703627_99703863)_(99704138_99704280)del

Gene: AP4M1 (adaptor related protein complex 4 subunit mu 1; plus strand). Cytogenetic location: 7q22.1.
Variant type: Deletion.
Identifiers: ClinVar variation 4687481 (VCV004687481.1).